The following is an entry in ClinVar:

ClinVar aggregate classification (germline): Uncertain significance (1 of 4 stars; one submission).

Submission:

Labcorp Genetics (formerly Invitae), Labcorp
Classification: Uncertain significance. Last evaluated: 2024-09-10. Review status: criteria provided, single submitter. Criteria: Invitae Variant Classification Sherloc (09022015). Collection method: clinical testing. Allele origin: germline.
Comment: This sequence change replaces lysine, which is basic and polar, with glutamic acid, which is acidic and polar, at codon 2443 of the KMT2A protein (p.Lys2443Glu). This variant is not present in population databases (gnomAD no frequency). This variant has not been reported in the literature in individuals affected with KMT2A-related conditions. Invitae Evidence Modeling of protein sequence and biophysical properties (such as structural, functional, and spatial information, amino acid conservation, physicochemical variation, residue mobility, and thermodynamic stability) indicates that this missense variant is not expected to disrupt KMT2A protein function with a negative predictive value of 95%. In summary, the available evidence is currently insufficient to determine the role of this variant in disease. Therefore, it has been classified as a Variant of Uncertain Significance.

NM_001197104.2(KMT2A):c.7327A>G (p.Lys2443Glu)

Gene: KMT2A (lysine methyltransferase 2A; plus strand). Cytogenetic location: 11q23.3.
Variant type: single nucleotide variant.
Coding change: c.7327A>G on transcript NM_001197104.2 (MANE Select); coding-DNA position 7327, A replaced by G.
Protein change: p.Lys2443Glu; replaces lysine 2443 with glutamic acid.
Molecular consequence: missense variant.
Genome position (GRCh38, 1-based): chr11:118,503,219, A>G. VCF-style: chr11-118503219-A-G. GRCh37 (hg19) VCF-style: chr11-118373934-A-G.
Other names: c.7417A>G, p.Lys2473Glu (NM_001412597.1); c.7318A>G, p.Lys2440Glu (NM_005933.4); short protein forms K2440E, K2473E, K2443E.
Identifiers: ClinVar variation 3634338 (VCV003634338.2).